The following is an entry in ClinVar:

ClinVar aggregate classification (germline): Uncertain significance. Review status: criteria provided, multiple submitters, no conflicts (2 of 4 stars). 2 submissions from 2 submitters: Uncertain significance (2). Last evaluated 2024-02-05.

Conditions:
Inborn genetic diseases. Identifiers: MedGen C0950123, MeSH D030342.

Allele frequency attached by ClinVar (database versions not stated): ExAC 0.00002; 1000 Genomes Project 30x 0.00016; 1000 Genomes Project 0.00020.
gnomAD v4.1: 23 of 1,613,782 alleles (0.0014%); highest among the groups gnomAD compares: East Asian, 0.045%; no homozygotes.

Submissions (2):

Ambry Genetics
Classification: Uncertain significance for Inborn genetic diseases. Last evaluated: 2024-02-05. Review status: criteria provided, single submitter. Criteria: Ambry Variant Classification Scheme 2023. Collection method: clinical testing. Allele origin: germline.

Labcorp Genetics (formerly Invitae), Labcorp
Classification: Uncertain significance. Last evaluated: 2022-01-11. Review status: criteria provided, single submitter. Criteria: Invitae Variant Classification Sherloc (09022015). Collection method: clinical testing. Allele origin: germline.
Comment: This sequence change replaces valine, which is neutral and non-polar, with leucine, which is neutral and non-polar, at codon 1011 of the MYO18B protein (p.Val1011Leu). This variant is present in population databases (rs557607855, gnomAD 0.04%). This variant has not been reported in the literature in individuals affected with MYO18B-related conditions. Algorithms developed to predict the effect of missense changes on protein structure and function are either unavailable or do not agree on the potential impact of this missense change (SIFT: "Not Available"; PolyPhen-2: "Possibly Damaging"; Align-GVGD: "Not Available"). In summary, the available evidence is currently insufficient to determine the role of this variant in disease. Therefore, it has been classified as a Variant of Uncertain Significance.

NM_032608.7(MYO18B):c.3031G>T (p.Val1011Leu)

Gene: MYO18B (myosin XVIIIB; plus strand). Cytogenetic location: 22q12.1.
Variant type: single nucleotide variant.
Coding change: c.3031G>T on transcript NM_032608.7 (MANE Select); coding-DNA position 3031, G replaced by T.
Protein change: p.Val1011Leu; replaces valine 1011 with leucine.
Molecular consequence: missense variant.
Genome position (GRCh38, 1-based): chr22:25,832,968, G>T. VCF-style: chr22-25832968-G-T. GRCh37 (hg19) VCF-style: chr22-26228935-G-T.
Other names: c.3031G>T, p.Val1011Leu (NM_001318245.2); c.3031G>T (NM_032608.5); short protein forms V1011L.
Identifiers: ClinVar variation 1430697 (VCV001430697.6), dbSNP rs557607855, ClinGen allele CA10160421.